The following is an entry in ClinVar:

NM_173728.4(ARHGEF15):c.1361C>T (p.Thr454Ile)

Gene: ARHGEF15 (Rho guanine nucleotide exchange factor 15; plus strand). Cytogenetic location: 17p13.1.
Variant type: single nucleotide variant.
Coding change: c.1361C>T on transcript NM_173728.4 (MANE Select); coding-DNA position 1361, C replaced by T.
Protein change: p.Thr454Ile; replaces threonine 454 with isoleucine.
Molecular consequence: missense variant.
Genome position (GRCh38, 1-based): chr17:8,315,514, C>T. VCF-style: chr17-8315514-C-T. GRCh37 (hg19) VCF-style: chr17-8218832-C-T.
Other names: c.1361C>T (NM_173728.3); c.1361C>T, p.Thr454Ile (NM_025014.2); short protein forms T454I.
Identifiers: ClinVar variation 2740657 (VCV002740657.4), dbSNP rs752445774, ClinGen allele CA398020273.

ClinVar aggregate classification (germline): Uncertain significance. Review status: criteria provided, multiple submitters, no conflicts (2 of 4 stars). 2 submissions from 2 submitters: Uncertain significance (2). Last evaluated 2025-10-07.

Conditions:
Early-infantile DEE. Also called: Early infantile epileptic encephalopathy with suppression bursts; Early infantile epileptic encephalopathy; Ohtahara syndrome. Identifiers: Orphanet 1934, MedGen C0393706, MONDO:0800491.

Allele frequency attached by ClinVar (database versions not stated): gnomAD 0.00001.
gnomAD v4.1: 3 of 1,612,200 alleles (0.00019%); highest among the groups gnomAD compares: Admixed American, 0.0033%; no homozygotes.

Submissions (2):

Ambry Genetics
Classification: Uncertain significance. Last evaluated: 2025-10-07. Review status: criteria provided, single submitter. Criteria: Ambry Variant Classification Scheme 2023. Collection method: clinical testing. Allele origin: germline.

Labcorp Genetics (formerly Invitae), Labcorp
Classification: Uncertain significance for Early-infantile DEE. Last evaluated: 2024-05-31. Review status: criteria provided, single submitter. Criteria: Invitae Variant Classification Sherloc (09022015). Collection method: clinical testing. Allele origin: germline.
Comment: This sequence change replaces threonine, which is neutral and polar, with isoleucine, which is neutral and non-polar, at codon 454 of the ARHGEF15 protein (p.Thr454Ile). This variant is present in population databases (no rsID available, gnomAD 0.003%). This variant has not been reported in the literature in individuals affected with ARHGEF15-related conditions. An algorithm developed to predict the effect of missense changes on protein structure and function (PolyPhen-2) suggests that this variant is likely to be tolerated. In summary, the available evidence is currently insufficient to determine the role of this variant in disease. Therefore, it has been classified as a Variant of Uncertain Significance.